The following is an entry in ClinVar:

ClinVar aggregate classification (germline): Pathogenic (1 of 4 stars; one submission).

Conditions:
EGFR-related lung cancer (EGFR). Identifiers: MedGen CN130014.

Submission:

Labcorp Genetics (formerly Invitae), Labcorp
Classification: Pathogenic for EGFR-related lung cancer. Last evaluated: 2025-06-29. Review status: criteria provided, single submitter. Criteria: Invitae Variant Classification Sherloc (09022015). Collection method: clinical testing. Allele origin: germline.
Comment: This sequence change creates a premature translational stop signal (p.Gly242Alafs*40) in the EGFR gene. It is expected to result in an absent or disrupted protein product. Loss-of-function variants in EGFR are known to be pathogenic (PMID: 7630400, 28726809, 29899996). This variant is not present in population databases (gnomAD no frequency). This variant has not been reported in the literature in individuals affected with EGFR-related conditions. For these reasons, this variant has been classified as Pathogenic.

Literature cited by the submitters: PubMed 7630400; PubMed 28726809; PubMed 29899996.

NM_005228.5(EGFR):c.718_722dup (p.Gly242fs)

Gene: EGFR (epidermal growth factor receptor; plus strand). Cytogenetic location: 7p11.2.
Variant type: Duplication.
Coding change: c.718_722dup on transcript NM_005228.5 (MANE Select); coding-DNA positions 718 to 722, 5 bases duplicated (TGCAC; older notation c.718_722dupTGCAC).
Protein change: p.Gly242fs; shifts the reading frame from glycine 242.
Molecular consequence: frameshift variant. On other transcripts: intron variant (1).
Genome position (GRCh38, 1-based): chr7:55,152,635-55,152,639, TGCAC duplicated; duplicating any 5 consecutive bases within chr7:55,152,634-55,152,639 gives the same sequence; the c. name uses the placement nearest the transcript's 3' end. VCF-style (leftmost placement, unchanged base first): chr7-55152633-G-GCTGCA. GRCh37 (hg19) VCF-style: chr7-55220326-G-GCTGCA.
Other names: c.583_587dup, p.Gly197fs (NM_001346897.2, NM_001346899.2); c.718_722dup, p.Gly242fs (NM_001346898.2, NM_201282.2, NM_201283.2 and 1 more transcripts); c.559_563dup, p.Gly189fs (NM_001346900.2); c.89-3195_89-3191dup (NM_001346941.2); short protein forms G197fs, G242fs, G189fs.
Identifiers: ClinVar variation 4722281 (VCV004722281.1).